The following is an entry in ClinVar:

ClinVar aggregate classification (germline): Uncertain significance. Review status: criteria provided, multiple submitters, no conflicts (2 of 4 stars). 2 submissions from 2 submitters: Uncertain significance (2). Last evaluated 2023-01-06.

Conditions:
Inborn genetic diseases. Identifiers: MedGen C0950123, MeSH D030342.

Allele frequency attached by ClinVar (database versions not stated): gnomAD exomes below 0.00001 and 0.00001; TOPMed below 0.00001; ExAC 0.00001.
gnomAD v4.1: 13 of 1,611,826 alleles (0.00081%); highest among the groups gnomAD compares: South Asian, 0.0011%; no homozygotes.

Submissions (2):

Ambry Genetics
Classification: Uncertain significance for Inborn genetic diseases. Last evaluated: 2023-01-06. Review status: criteria provided, single submitter. Criteria: Ambry Variant Classification Scheme 2023. Collection method: clinical testing. Allele origin: germline.

Labcorp Genetics (formerly Invitae), Labcorp
Classification: Uncertain significance. Last evaluated: 2022-06-27. Review status: criteria provided, single submitter. Criteria: Invitae Variant Classification Sherloc (09022015). Collection method: clinical testing. Allele origin: germline.
Comment: Algorithms developed to predict the effect of missense changes on protein structure and function output the following: SIFT: "Tolerated"; PolyPhen-2: "Benign"; Align-GVGD: "Class C0". The phenylalanine amino acid residue is found in multiple mammalian species, which suggests that this missense change does not adversely affect protein function. In summary, the available evidence is currently insufficient to determine the role of this variant in disease. Therefore, it has been classified as a Variant of Uncertain Significance. This variant has not been reported in the literature in individuals affected with IARS2-related conditions. This variant is present in population databases (rs752456634, gnomAD 0.003%). This sequence change replaces leucine, which is neutral and non-polar, with phenylalanine, which is neutral and non-polar, at codon 27 of the IARS2 protein (p.Leu27Phe).

NM_018060.4(IARS2):c.79C>T (p.Leu27Phe)

Genes: IARS2 (isoleucyl-tRNA synthetase 2, mitochondrial; plus strand), LOC129932529 (ATAC-STARR-seq lymphoblastoid silent region 1823; plus strand). Cytogenetic location: 1q41.
Variant type: single nucleotide variant.
Coding change: c.79C>T on transcript NM_018060.4 (MANE Select); coding-DNA position 79, C replaced by T.
Protein change: p.Leu27Phe; replaces leucine 27 with phenylalanine.
Molecular consequence: missense variant.
Genome position (GRCh38, 1-based): chr1:220,094,295, C>T. VCF-style: chr1-220094295-C-T. GRCh37 (hg19) VCF-style: chr1-220267637-C-T.
Other names: c.79C>T (NM_018060.3); short protein forms L27F.
Identifiers: ClinVar variation 1358456 (VCV001358456.5), dbSNP rs752456634, ClinGen allele CA1401032.